The following is an entry in ClinVar:

NM_002485.5(NBN):c.2258G>A (p.Arg753Lys)

Gene: NBN (nibrin; minus strand). Cytogenetic location: 8q21.3.
Variant type: single nucleotide variant.
Coding change: c.2258G>A on transcript NM_002485.5 (MANE Select); coding-DNA position 2258, G replaced by A.
Protein change: p.Arg753Lys; replaces arginine 753 with lysine.
Molecular consequence: missense variant.
Genome position (GRCh38, 1-based): chr8:89,935,589, C>T on the plus strand (G>A on the coding strand, the complement: NBN is on the minus strand). VCF-style: chr8-89935589-C-T. GRCh37 (hg19) VCF-style: chr8-90947817-C-T.
Other names: c.2012G>A, p.Arg671Lys (NM_001024688.3); short protein forms R753K, R671K.
Identifiers: ClinVar variation 565886 (VCV000565886.12), dbSNP rs773020664, ClinGen allele CA371674672.

ClinVar aggregate classification (germline): Uncertain significance. Review status: criteria provided, single submitter (1 of 4 stars). 2 submissions from 2 submitters: Uncertain significance (1). 1 of the submissions does not count toward it. Last evaluated 2022-12-06.

Conditions:
Microcephaly, normal intelligence and immunodeficiency (NBS). Also called: Nijmegen breakage syndrome; Immunodeficiency, microcephaly with normal intelligence; SEEMANOVA SYNDROME II; Microcephaly with normal intelligence immunodeficiency and lymphoreticular malignancies; Nonsyndromal microcephaly autosomal recessive with normal intelligence; Seemanova syndrome 2. Identifiers: Orphanet 647, MedGen C0398791, MONDO:0009623, OMIM 251260.

Submissions (2):

Labcorp Genetics (formerly Invitae), Labcorp
Classification: Uncertain significance for Microcephaly, normal intelligence and immunodeficiency. Last evaluated: 2022-12-06. Review status: criteria provided, single submitter. Criteria: Invitae Variant Classification Sherloc (09022015). Collection method: clinical testing. Allele origin: germline.
Comment: In summary, the available evidence is currently insufficient to determine the role of this variant in disease. Therefore, it has been classified as a Variant of Uncertain Significance. Algorithms developed to predict the effect of missense changes on protein structure and function (SIFT, PolyPhen-2, Align-GVGD) all suggest that this variant is likely to be tolerated. ClinVar contains an entry for this variant (Variation ID: 565886). This variant has not been reported in the literature in individuals affected with NBN-related conditions. This variant is not present in population databases (gnomAD no frequency). This sequence change replaces arginine, which is basic and polar, with lysine, which is basic and polar, at codon 753 of the NBN protein (p.Arg753Lys).

Natera, Inc.
Classification: Uncertain significance for Nijmegen breakage syndrome. Last evaluated: 2020-02-21. Review status: no assertion criteria provided. Collection method: clinical testing. Allele origin: germline. Not counted in ClinVar's aggregate classification.